The following is an entry in ClinVar:

NM_170606.3(KMT2C):c.14282A>G (p.Gln4761Arg)

Gene: KMT2C (lysine methyltransferase 2C; minus strand). Cytogenetic location: 7q36.1.
Variant type: single nucleotide variant.
Coding change: c.14282A>G on transcript NM_170606.3 (MANE Select); coding-DNA position 14282, A replaced by G.
Protein change: p.Gln4761Arg; replaces glutamine 4761 with arginine.
Molecular consequence: missense variant.
Genome position (GRCh38, 1-based): chr7:152,144,774, T>C on the plus strand (A>G on the coding strand, the complement: KMT2C is on the minus strand). VCF-style: chr7-152144774-T-C. GRCh37 (hg19) VCF-style: chr7-151841859-T-C.
Other names: short protein forms Q4761R.
Identifiers: ClinVar variation 3906796 (VCV003906796.1).
Genomic context (GRCh38, chr7:152,144,774, plus strand): 5'-TGAATCCGAGACCGTGCCAGATACACATTGGATTTCCATTCAGTTTTCATCTTCCGGTAC[T>C]GCGATGACTTGGAGTGAACAAACTGTTTACTATAAGGTGCGTTCAGTTCTCCAGTGACTG-3'
Protein context (NP_733751.2, residues 4751-4771): SKQFVHSKSS[Gln4761Arg]YRKMKTEWKS

ClinVar aggregate classification (germline): Uncertain significance (1 of 4 stars; one submission).

Submission:

GeneDx
Classification: Uncertain significance. Last evaluated: 2024-12-17. Review status: criteria provided, single submitter. Criteria: GeneDx Variant Classification Process June 2021. Collection method: clinical testing. Allele origin: germline. Affected: yes.
Comment: Not observed at significant frequency in large population cohorts (gnomAD); In silico analysis supports that this missense variant has a deleterious effect on protein structure/function; Has not been previously published as pathogenic or benign to our knowledge; This variant is associated with the following publications: (PMID: 38090150)